The following is an entry in ClinVar:

NM_005547.4(IVL):c.375A>G (p.Glu125=)

Gene: IVL (involucrin; plus strand). Cytogenetic location: 1q21.3.
Variant type: single nucleotide variant.
Coding change: c.375A>G on transcript NM_005547.4 (MANE Select); coding-DNA position 375, A replaced by G.
Protein change: p.Glu125=; no amino-acid change (glutamic acid 125 retained).
Molecular consequence: synonymous variant.
Genome position (GRCh38, 1-based): chr1:152,910,172, A>G. VCF-style: chr1-152910172-A-G. GRCh37 (hg19) VCF-style: chr1-152882648-A-G.
Identifiers: ClinVar variation 722173 (VCV000722173.27), dbSNP rs572279454, ClinGen allele CA1112627.
Genomic context (GRCh38, chr1:152,910,172, plus strand): 5'-GCAGCAGCTTAAGCAGGAGAAAACACAAAGGGATCAGCAGCTAAACAAACAGCTGGAAGA[A>G]GAGAAGAAGCTCTTAGACCAGCAACTGGATCAAGAGCTAGTCAAGAGAGATGAGCAACTG-3'
Protein context (NP_005538.2, residues 115-135): RDQQLNKQLE[Glu125=]EKKLLDQQLD

ClinVar aggregate classification (germline): Likely benign. Review status: criteria provided, multiple submitters, no conflicts (2 of 4 stars). 2 submissions from 2 submitters: Likely benign (2). Last evaluated 2023-09-01.

Allele frequency attached by ClinVar (database versions not stated): gnomAD below 0.00001 and 0.00005; TOPMed 0.00001; gnomAD exomes 0.00012 and 0.00021; ExAC 0.00028; 1000 Genomes Project 0.00080; 1000 Genomes Project 30x 0.00094.

Submissions (2):

CeGaT Center for Human Genetics Tuebingen
Classification: Likely benign. Last evaluated: 2023-09-01. Review status: criteria provided, single submitter. Criteria: CeGaT Center For Human Genetics Tuebingen Variant Classification Criteria Version 2. Collection method: clinical testing. Allele origin: germline. Affected: yes. Observed: 1 variant allele.
Comment: IVL: BP4, BP7

Labcorp Genetics (formerly Invitae), Labcorp
Classification: Likely benign. Last evaluated: 2018-08-11. Review status: criteria provided, single submitter. Criteria: Invitae Variant Classification Sherloc (09022015). Collection method: clinical testing. Allele origin: germline.